The following is an entry in ClinVar:

NM_001276379.2(LZTFL1):c.100T>A (p.Phe34Ile)

Gene: LZTFL1 (leucine zipper transcription factor like 1; minus strand). Cytogenetic location: 3p21.31.
Variant type: single nucleotide variant.
Coding change: c.100T>A on transcript NM_001276379.2; coding-DNA position 100, T replaced by A.
Protein change: p.Phe34Ile; replaces phenylalanine 34 with isoleucine.
Molecular consequence: missense variant. On other transcripts: 5 prime UTR variant (4), non-coding transcript variant (1), intron variant (2).
Genome position (GRCh38, 1-based): chr3:45,855,002, A>T on the plus strand (T>A on the coding strand, the complement: LZTFL1 is on the minus strand). VCF-style: chr3-45855002-A-T. GRCh37 (hg19) VCF-style: chr3-45896494-A-T.
Other names: c.-65T>A (NM_001276378.2, NM_001405923.1, NM_001405926.1 and 1 more transcripts); c.100T>A, p.Phe34Ile (NM_001405921.1); c.28-16951T>A (NM_001405925.1, NM_001405920.1); short protein forms F34I.
Identifiers: ClinVar variation 4998345 (VCV004998345.1).

ClinVar aggregate classification (germline): Uncertain significance (1 of 4 stars; one submission).

Conditions:
LZTFL1-related disorder. Also called: LZTFL1-related condition.

Submission:

PreventionGenetics, part of Exact Sciences
Classification: Uncertain significance for LZTFL1-related condition. Last evaluated: 2024-11-08. Review status: criteria provided, single submitter. Criteria: ACMG Guidelines, 2015. Collection method: clinical testing. Allele origin: germline.
Comment: The LZTFL1 c.100T>A variant is predicted to result in the amino acid substitution p.Phe34Ile. To our knowledge, this variant has not been reported in the literature or in a large population database (gnomAD), indicating this variant is rare. At this time, the clinical significance of this variant is uncertain due to the absence of conclusive functional and genetic evidence.